The following is an entry in ClinVar:

ClinVar aggregate classification (germline): Uncertain significance. Review status: criteria provided, multiple submitters, no conflicts (2 of 4 stars). 3 submissions from 3 submitters: Uncertain significance (3). Last evaluated 2024-11-05.

Conditions:
POLG-related disorder. Also called: POLG-Related Spectrum Disorders; POLG-related condition; POLG-Related Disorders. Identifiers: MedGen C4763519.
Progressive sclerosing poliodystrophy (MTDPS4A). Also called: NEURONAL DEGENERATION OF CHILDHOOD WITH LIVER DISEASE, PROGRESSIVE; ALPERS PROGRESSIVE INFANTILE POLIODYSTROPHY; Alpers-Huttenlocher Syndrome (AHS); Mitochondrial DNA depletion syndrome 4A (Alpers type); Mitochondrial DNA Depletion Syndrome 4A; Alpers Syndrome. Identifiers: Orphanet 726, MedGen C0205710, MONDO:0008758, OMIM 203700.

Allele frequency attached by ClinVar (database versions not stated): gnomAD exomes below 0.00001.
gnomAD v4.1: 2 of 1,614,128 alleles (0.00012%); highest among the groups gnomAD compares: South Asian, 0.0011%; no homozygotes.

Submissions (3):

Labcorp Genetics (formerly Invitae), Labcorp
Classification: Uncertain significance for Progressive sclerosing poliodystrophy. Last evaluated: 2024-11-05. Review status: criteria provided, single submitter. Criteria: Invitae Variant Classification Sherloc (09022015). Collection method: clinical testing. Allele origin: germline.
Comment: This sequence change replaces valine, which is neutral and non-polar, with isoleucine, which is neutral and non-polar, at codon 1183 of the POLG protein (p.Val1183Ile). This variant is not present in population databases (gnomAD no frequency). This variant has not been reported in the literature in individuals affected with POLG-related conditions. ClinVar contains an entry for this variant (Variation ID: 452604). Invitae Evidence Modeling of protein sequence and biophysical properties (such as structural, functional, and spatial information, amino acid conservation, physicochemical variation, residue mobility, and thermodynamic stability) has been performed for this missense variant. However, the output from this modeling did not meet the statistical confidence thresholds required to predict the impact of this variant on POLG protein function. In summary, the available evidence is currently insufficient to determine the role of this variant in disease. Therefore, it has been classified as a Variant of Uncertain Significance.

PreventionGenetics, part of Exact Sciences
Classification: Uncertain significance for POLG-related condition. Last evaluated: 2023-07-20. Review status: criteria provided, single submitter. Criteria: ACMG Guidelines, 2015. Collection method: clinical testing. Allele origin: germline.
Comment: The POLG c.3547G>A variant is predicted to result in the amino acid substitution p.Val1183Ile. To our knowledge, this variant has not been reported in the literature or in a large population database, indicating this variant is rare. At this time, the clinical significance of this variant is uncertain due to the absence of conclusive functional and genetic evidence.

GeneDx
Classification: Uncertain significance. Last evaluated: 2018-06-15. Review status: criteria provided, single submitter. Criteria: GeneDx Variant Classification (06012015). Collection method: clinical testing. Allele origin: germline. Affected: yes.
Comment: A variant of uncertain significance has been identified in the POLG gene. The V1183I variant has not been published as a pathogenic variant, nor has it been reported as a benign variant to our knowledge. The V1183I variant is not observed in large population cohorts (Lek et al., 2016). The V1183I variant is a conservative amino acid substitution, which is not likely to impact secondary protein structure as these residues share similar properties. However, this substitution occurs at a position that is conserved across species; and in silico analysis predicts this variant is probably damaging to the protein structure/function. Therefore, based on the currently available information, it is unclear whether this variant is a pathogenic variant or a rare benign variant.

NM_002693.3(POLG):c.3547G>A (p.Val1183Ile)

Gene: POLG (DNA polymerase gamma, catalytic subunit; minus strand). Cytogenetic location: 15q26.1.
Variant type: single nucleotide variant.
Coding change: c.3547G>A on transcript NM_002693.3 (MANE Select); coding-DNA position 3547, G replaced by A.
Protein change: p.Val1183Ile; replaces valine 1183 with isoleucine.
Molecular consequence: missense variant.
Genome position (GRCh38, 1-based): chr15:89,317,472, C>T on the plus strand (G>A on the coding strand, the complement: POLG is on the minus strand). VCF-style: chr15-89317472-C-T. GRCh37 (hg19) VCF-style: chr15-89860703-C-T.
Other names: c.3547G>A, p.Val1183Ile (NM_001126131.2); short protein forms V1183I.
Identifiers: ClinVar variation 452604 (VCV000452604.4), dbSNP rs1555452261, ClinGen allele CA393747696.